The following is an entry in ClinVar:

ClinVar aggregate classification (germline): Uncertain significance. Review status: criteria provided, multiple submitters, no conflicts (2 of 4 stars). 2 submissions from 2 submitters: Uncertain significance (2). Last evaluated 2018-12-24.

Conditions:
Infantile-onset X-linked spinal muscular atrophy. Also called: Spinal Muscular Atrophy, X-Linked Infantile; SPINAL MUSCULAR ATROPHY, X-LINKED LETHAL INFANTILE; AMC, DISTAL, X-LINKED; ARTHROGRYPOSIS, X-LINKED, TYPE I; Spinal muscular atrophy, X-linked 2. Identifiers: Orphanet 1145, MedGen C1844934, MONDO:0010532, OMIM 301830.

Allele frequency attached by ClinVar (database versions not stated): TOPMed 0.00001.
gnomAD v4.1: 3 of 1,210,471 alleles (0.00025%); highest among the groups gnomAD compares: South Asian, 0.0018%; no homozygotes.

Submissions (2):

Labcorp Genetics (formerly Invitae), Labcorp
Classification: Uncertain significance for Spinal muscular atrophy, X-linked 2. Last evaluated: 2018-12-24. Review status: criteria provided, single submitter. Criteria: Invitae Variant Classification Sherloc (09022015). Collection method: clinical testing. Allele origin: germline.
Comment: This sequence change falls in intron 9 of the UBA1 gene. It does not directly change the encoded amino acid sequence of the UBA1 protein. This variant is not present in population databases (ExAC no frequency). This variant has not been reported in the literature in individuals with UBA1-related conditions. Algorithms developed to predict the effect of sequence changes on RNA splicing suggest that this variant may disrupt the consensus splice site, but this prediction has not been confirmed by published transcriptional studies. In summary, the available evidence is currently insufficient to determine the role of this variant in disease. Therefore, it has been classified as a Variant of Uncertain Significance.

Breakthrough Genomics
Classification: Uncertain significance. Review status: criteria provided, single submitter. Criteria: ACMG Guidelines, 2015. Collection method: not provided. Allele origin: germline. Inheritance: X-linked recessive inheritance. Affected: yes.

NM_003334.4(UBA1):c.910-9C>G

Gene: UBA1 (ubiquitin like modifier activating enzyme 1; plus strand). Cytogenetic location: Xp11.3.
Variant type: single nucleotide variant.
Coding change: c.910-9C>G on transcript NM_003334.4 (MANE Select); 9 bases into the intron before coding-DNA position 910, C replaced by G.
Molecular consequence: intron variant.
Genome position (GRCh38, 1-based): chrX:47,202,349, C>G. VCF-style: chrX-47202349-C-G. GRCh37 (hg19) VCF-style: chrX-47061748-C-G.
Other names: c.910-9C>G (NM_153280.3).
Identifiers: ClinVar variation 649688 (VCV000649688.2), dbSNP rs1602632158, ClinGen allele CA915951093.